The following is an entry in ClinVar:

ClinVar aggregate classification (germline): Uncertain significance (1 of 4 stars; one submission).

Conditions:
Familial adenomatous polyposis 1 (FAP1). Also called: FAMILIAL ADENOMATOUS POLYPOSIS 1, ATTENUATED; POLYPOSIS, ADENOMATOUS INTESTINAL. Identifiers: MedGen C2713442, MONDO:0021056, OMIM 175100. Disease mechanism: loss of function.

Submission:

Labcorp Genetics (formerly Invitae), Labcorp
Classification: Uncertain significance for Familial adenomatous polyposis 1. Last evaluated: 2025-11-23. Review status: criteria provided, single submitter. Criteria: Invitae Variant Classification Sherloc (09022015). Collection method: clinical testing. Allele origin: germline.
Comment: This variant occurs in a non-coding region of the APC gene. It does not change the encoded amino acid sequence of the APC protein. This variant is not present in population databases (gnomAD no frequency). This variant has not been reported in the literature in individuals affected with APC-related conditions. Experimental studies and prediction algorithms are not available or were not evaluated, and the functional significance of this variant is currently unknown. In summary, the available evidence is currently insufficient to determine the role of this variant in disease. Therefore, it has been classified as a Variant of Uncertain Significance.

NC_000005.10:g.112707316A>G

Gene: APC (APC regulator of Wnt signaling pathway; plus strand). Cytogenetic location: 5q22.2.
Variant type: single nucleotide variant.
Genome position: GRCh38 VCF-style: chr5-112707316-A-G. GRCh37 (hg19) VCF-style: chr5-112043013-A-G.
Identifiers: ClinVar variation 1491765 (VCV001491765.6), dbSNP rs2149627907, ClinGen allele CA2573138729.